The following is an entry in ClinVar:

NM_199420.4(POLQ):c.246A>C (p.Glu82Asp)

Gene: POLQ (DNA polymerase theta; minus strand). Cytogenetic location: 3q13.33.
Variant type: single nucleotide variant.
Coding change: c.246A>C on transcript NM_199420.4 (MANE Select); coding-DNA position 246, A replaced by C.
Protein change: p.Glu82Asp; replaces glutamic acid 82 with aspartic acid.
Molecular consequence: missense variant.
Genome position (GRCh38, 1-based): chr3:121,544,824, T>G on the plus strand (A>C on the coding strand, the complement: POLQ is on the minus strand). VCF-style: chr3-121544824-T-G. GRCh37 (hg19) VCF-style: chr3-121263671-T-G.
Other names: short protein forms E82D.
Identifiers: ClinVar variation 2449043 (VCV002449043.2), dbSNP rs2546827939, ClinGen allele CA354094650.
Genomic context (GRCh38, chr3:121,544,824, plus strand): 5'-AAGCAAAAGGCACTCTGCCTGCCATTCAAACATCTTTTTTACACCAAAACTGTGGTATTT[T>G]TCCAGAACTGCTTTAGGAAGTCCCCAGTTTGCCAATAGTAGCTTGTCTCTTTCGTAGTCA-3'
Protein context (NP_955452.3, residues 72-92): ANWGLPKAVL[Glu82Asp]KYHSFGVKKM

ClinVar aggregate classification (germline): Uncertain significance (1 of 4 stars; one submission).

Submission:

Ambry Genetics
Classification: Uncertain significance. Last evaluated: 2023-03-02. Review status: criteria provided, single submitter. Criteria: Ambry Variant Classification Scheme 2023. Collection method: clinical testing. Allele origin: germline.
Comment: The p.E82D variant (also known as c.246A>C), located in coding exon 2 of the POLQ gene, results from an A to C substitution at nucleotide position 246. The glutamic acid at codon 82 is replaced by aspartic acid, an amino acid with highly similar properties. This amino acid position is conserved. In addition, this alteration is predicted to be tolerated by in silico analysis. Since supporting evidence is limited at this time, the clinical significance of this alteration remains unclear.